The following is an entry in ClinVar:

ClinVar aggregate classification (germline): Uncertain significance (1 of 4 stars; one submission).

Submission:

Ambry Genetics
Classification: Uncertain significance. Last evaluated: 2025-12-15. Review status: criteria provided, single submitter. Criteria: Ambry Variant Classification Scheme 2023. Collection method: clinical testing. Allele origin: germline.
Comment: The p.R772S variant (also known as c.2316G>T), located in coding exon 22 of the KIF1B gene, results from a G to T substitution at nucleotide position 2316. The arginine at codon 772 is replaced by serine, an amino acid with dissimilar properties. This amino acid position is conserved. In addition, the in silico prediction for this alteration is inconclusive. Since supporting evidence is limited at this time, the clinical significance of this alteration remains unclear.

NM_001365951.3(KIF1B):c.2454G>T (p.Arg818Ser)

Gene: KIF1B (kinesin family member 1B; plus strand). Cytogenetic location: 1p36.22.
Variant type: single nucleotide variant.
Coding change: c.2454G>T on transcript NM_001365951.3 (MANE Select); coding-DNA position 2454, G replaced by T.
Protein change: p.Arg818Ser; replaces arginine 818 with serine.
Molecular consequence: missense variant.
Genome position (GRCh38, 1-based): chr1:10,323,979, G>T. VCF-style: chr1-10323979-G-T. GRCh37 (hg19) VCF-style: chr1-10384037-G-T.
Other names: c.2454G>T, p.Arg818Ser (NM_001365952.1); c.2316G>T, p.Arg772Ser (NM_015074.3); short protein forms R818S, R772S.
Identifiers: ClinVar variation 2625718 (VCV002625718.3), dbSNP rs2521622807, ClinGen allele CA338334726.
Genomic context (GRCh38, chr1:10,323,979, plus strand): 5'-GTACTCCCCTTTGCCTCCTGAATTACTTCCCACTGAGATGGAAAAAACTCATGAGGACAG[G>T]CCTTTCCCTCGCACAGTGGTAGCAGTAGAAGTCCAGGATTTGAAGAATGGAGCAACACAC-3'
Protein context (NP_001352880.1, residues 808-828): PTEMEKTHED[Arg818Ser]PFPRTVVAVE